The following is an entry in ClinVar:

ClinVar aggregate classification (germline): Uncertain significance (1 of 4 stars; one submission).

Conditions:
Vici syndrome (VICIS). Identifiers: Orphanet 1493, MedGen C1855772, MONDO:0009452, OMIM 242840.

Submission:

Labcorp Genetics (formerly Invitae), Labcorp
Classification: Uncertain significance for Vici syndrome. Last evaluated: 2024-10-22. Review status: criteria provided, single submitter. Criteria: Invitae Variant Classification Sherloc (09022015). Collection method: clinical testing. Allele origin: germline.
Comment: This sequence change replaces glutamine, which is neutral and polar, with proline, which is neutral and non-polar, at codon 1417 of the EPG5 protein (p.Gln1417Pro). This variant is not present in population databases (gnomAD no frequency). This variant has not been reported in the literature in individuals affected with EPG5-related conditions. ClinVar contains an entry for this variant (Variation ID: 839787). Invitae Evidence Modeling of protein sequence and biophysical properties (such as structural, functional, and spatial information, amino acid conservation, physicochemical variation, residue mobility, and thermodynamic stability) indicates that this missense variant is expected to disrupt EPG5 protein function with a positive predictive value of 80%. In summary, the available evidence is currently insufficient to determine the role of this variant in disease. Therefore, it has been classified as a Variant of Uncertain Significance.

NM_020964.3(EPG5):c.4250A>C (p.Gln1417Pro)

Gene: EPG5 (ectopic P-granules 5 autophagy tethering factor; minus strand). Cytogenetic location: 18q21.1.
Variant type: single nucleotide variant.
Coding change: c.4250A>C on transcript NM_020964.3 (MANE Select); coding-DNA position 4250, A replaced by C.
Protein change: p.Gln1417Pro; replaces glutamine 1417 with proline.
Molecular consequence: missense variant.
Genome position (GRCh38, 1-based): chr18:45,908,037, T>G on the plus strand (A>C on the coding strand, the complement: EPG5 is on the minus strand). VCF-style: chr18-45908037-T-G. GRCh37 (hg19) VCF-style: chr18-43488002-T-G.
Other names: short protein forms Q1417P.
Identifiers: ClinVar variation 839787 (VCV000839787.8), dbSNP rs2049798752, ClinGen allele CA402338916.
Genomic context (GRCh38, chr18:45,908,037, plus strand): 5'-TTTGCTAGCCTGTGAATATCATAATGCTTTGGTAGAGAAGGGATATAGGTATCTCCTTTT[T>G]GAAAATTCTCATCTTCTAGCCATAATATATATACATTGAAGAGCCTAAAAGATAAAAACA-3'
Protein context (NP_066015.2, residues 1407-1427): YILWLEDENF[Gln1417Pro]KGDTYIPSLP